The following is an entry in ClinVar:

ClinVar aggregate classification (germline): Pathogenic (1 of 4 stars; one submission).

Conditions:
Metachromatic leukodystrophy (MLD). Also called: ARSA DEFICIENCY; CEREBROSIDE SULFATASE DEFICIENCY; Arylsulfatase A Deficiency; METACHROMATIC LEUKOENCEPHALOPATHY; SULFATIDE LIPIDOSIS; Cerebral sclerosis diffuse metachromatic form. Identifiers: Orphanet 512, MedGen C0023522, MONDO:0018868, OMIM 250100.

Submission:

Labcorp Genetics (formerly Invitae), Labcorp
Classification: Pathogenic for Metachromatic leukodystrophy. Last evaluated: 2022-08-21. Review status: criteria provided, single submitter. Criteria: Invitae Variant Classification Sherloc (09022015). Collection method: clinical testing. Allele origin: germline.
Comment: For these reasons, this variant has been classified as Pathogenic. This variant has not been reported in the literature in individuals affected with ARSA-related conditions. This variant is not present in population databases (gnomAD no frequency). This sequence change creates a premature translational stop signal (p.Phe319Cysfs*13) in the ARSA gene. It is expected to result in an absent or disrupted protein product. Loss-of-function variants in ARSA are known to be pathogenic (PMID: 8962139, 10477432).

Literature cited by the submitters: PubMed 8962139; PubMed 10477432.

NM_000487.6(ARSA):c.955_956insGCCTTGAT (p.Phe319fs)

Gene: ARSA (arylsulfatase A; minus strand). Cytogenetic location: 22q13.33.
Variant type: Insertion.
Coding change: c.955_956insGCCTTGAT on transcript NM_000487.6 (MANE Select); coding-DNA positions 955 to 956, GCCTTGAT inserted.
Protein change: p.Phe319fs; shifts the reading frame from phenylalanine 319.
Molecular consequence: frameshift variant.
Genome position: GRCh38 VCF-style: chr22-50626177-A-AATCAAGGC. GRCh37 (hg19) VCF-style: chr22-51064605-A-AATCAAGGC.
Other names: c.955_956insGCCTTGAT, p.Phe319fs (NM_001085425.3, NM_001085426.3, NM_001085427.3); c.697_698insGCCTTGAT, p.Phe233fs (NM_001085428.3, NM_001362782.2); short protein forms F233fs, F319fs.
Identifiers: ClinVar variation 2025551 (VCV002025551.4), dbSNP rs2518326786, ClinGen allele CA2580099935.